The following is an entry in ClinVar:

ClinVar aggregate classification (germline): not provided (0 of 4 stars; one submission).

Submission:

ITMI
No classification provided. Condition: AllHighlyPenetrant. Last evaluated: 2013-09-19. Review status: no classification provided. Collection method: reference population. Allele origin: germline.
Comment: Please see associated publication for description of ethnicities

Literature cited by the submitters: PubMed 24728327.

NM_017617.5(NOTCH1):c.5167+43_5167+44delinsT

Gene: NOTCH1 (notch receptor 1; minus strand). Cytogenetic location: 9q34.3.
Variant type: Indel.
Coding change: c.5167+43_5167+44delinsT on transcript NM_017617.5 (MANE Select); bases 43 to 44 of the intron after coding-DNA position 5167, GG replaced by T.
Molecular consequence: intron variant.
Genome position (GRCh38, 1-based): chr9:136,503,138-136,503,139, CC replaced by A on the plus strand (GG replaced by T on the coding strand, the reverse complement: NOTCH1 is on the minus strand). VCF-style: chr9-136503138-CC-A. GRCh37 (hg19) VCF-style: chr9-139397590-CC-A.
Other names: c.5167+43_5167+44delinsT (LRG_1122t1).
Identifiers: ClinVar variation 133367 (VCV000133367.1), dbSNP rs587777961, ClinGen allele CA156457.